The following is an entry in ClinVar:

NM_033225.6(CSMD1):c.1098-8C>T

Gene: CSMD1 (CUB and Sushi multiple domains 1; minus strand). Cytogenetic location: 8p23.2.
Variant type: single nucleotide variant.
Coding change: c.1098-8C>T on transcript NM_033225.6 (MANE Select); 8 bases into the intron before coding-DNA position 1098, C replaced by T.
Molecular consequence: intron variant.
Genome position (GRCh38, 1-based): chr8:3,586,268, G>A on the plus strand (C>T on the coding strand, the complement: CSMD1 is on the minus strand). VCF-style: chr8-3586268-G-A. GRCh37 (hg19) VCF-style: chr8-3443790-G-A.
Identifiers: ClinVar variation 3035287 (VCV003035287.3), dbSNP rs764230802, ClinGen allele CA4609095.

ClinVar aggregate classification (germline): Likely benign. Review status: criteria provided, single submitter (1 of 4 stars). 2 submissions from 2 submitters: Likely benign (1). 1 of the submissions does not count toward it.

Conditions:
CSMD1-related disorder. Also called: CSMD1-related condition.

Allele frequency attached by ClinVar (database versions not stated): gnomAD 0.00015; gnomAD exomes 0.00016; ExAC 0.00019.
gnomAD v4.1: 231 of 1,426,168 alleles (0.016%); highest among the groups gnomAD compares: Middle Eastern, 0.055%; no homozygotes.

Submissions (2):

Breakthrough Genomics
Classification: Likely benign. Review status: criteria provided, single submitter. Criteria: ACMG Guidelines, 2015. Collection method: not provided. Allele origin: germline. Inheritance: Unknown mechanism. Affected: yes.

PreventionGenetics, part of Exact Sciences
Classification: Likely benign for CSMD1-related condition. Last evaluated: 2019-08-06. Review status: no assertion criteria provided. Collection method: clinical testing. Allele origin: germline. Not counted in ClinVar's aggregate classification.
Comment: This variant is classified as likely benign based on ACMG/AMP sequence variant interpretation guidelines (Richards et al. 2015 PMID: 25741868, with internal and published modifications).